The following is an entry in ClinVar:

ClinVar aggregate classification (germline): Uncertain significance. Review status: criteria provided, multiple submitters, no conflicts (2 of 4 stars). 3 submissions from 3 submitters: Uncertain significance (3). Last evaluated 2025-09-19.

Conditions:
Familial hyperthyroidism due to mutations in TSH receptor. Also called: HYPERTHYROIDISM, CONGENITAL NONAUTOIMMUNE; HYPERTHYROIDISM, NONAUTOIMMUNE, AUTOSOMAL DOMINANT; TOXIC THYROID HYPERPLASIA, AUTOSOMAL DOMINANT. Identifiers: Orphanet 424, MedGen C1836706, MONDO:0012203, OMIM 609152.
Familial gestational hyperthyroidism. Identifiers: Orphanet 99819, MedGen C1863959, MONDO:0011309, OMIM 603373.
Hypothyroidism due to TSH receptor mutations. Also called: Hypothyroidism, congenital, nongoitrous, 1; HYPOTHYROIDISM DUE TO UNRESPONSIVENESS TO THYROTROPIN; HYPOTHYROIDISM, CONGENITAL, DUE TO TSH RESISTANCE; HYPOTHYROIDISM, NONAUTOIMMUNE; THYROID-STIMULATING HORMONE, RESISTANCE TO; TSH RESISTANCE. Identifiers: Orphanet 90673, MedGen C3493776, MONDO:0010142, OMIM 275200.
TSHR-related disorder. Also called: TSHR-related condition; TSHR-related disorders.

Allele frequency attached by ClinVar (database versions not stated): gnomAD exomes 0.00001; ExAC 0.00002; TOPMed 0.00002; gnomAD 0.00001.
gnomAD v4.1: 8 of 1,614,032 alleles (0.0005%); highest among the groups gnomAD compares: South Asian, 0.0011%; no homozygotes.

Submissions (3):

PreventionGenetics, part of Exact Sciences
Classification: Uncertain significance for TSHR-related condition. Last evaluated: 2025-09-19. Review status: criteria provided, single submitter. Criteria: ACMG Guidelines, 2015. Collection method: clinical testing. Allele origin: germline.
Comment: The TSHR c.170T>C variant is predicted to result in the amino acid substitution p.Leu57Pro. To our knowledge, this variant has not been reported in the literature. This variant is reported in 0.0033% of alleles in individuals of South Asian descent in gnomAD. At this time, the clinical significance of this variant is uncertain due to the absence of conclusive functional and genetic evidence.

Fulgent Genetics
Classification: Uncertain significance for Hypothyroidism due to TSH receptor mutations; Familial gestational hyperthyroidism; Familial hyperthyroidism due to mutations in TSH receptor. Last evaluated: 2021-07-10. Review status: criteria provided, single submitter. Criteria: ACMG Guidelines, 2015. Collection method: clinical testing. Allele origin: unknown.

GeneDx
Classification: Uncertain significance. Last evaluated: 2021-01-04. Review status: criteria provided, single submitter. Criteria: GeneDx Variant Classification Process June 2021. Collection method: clinical testing. Allele origin: germline. Affected: yes.
Comment: Has not been previously published in a peer reviewed article as pathogenic or benign to our knowledge; In silico analysis supports that this missense variant has a deleterious effect on protein structure/function

NM_000369.5(TSHR):c.170T>C (p.Leu57Pro)

Genes: CEP128 (centrosomal protein 128; minus strand), TSHR (thyroid stimulating hormone receptor; plus strand). Cytogenetic location: 14q31.1.
Variant type: single nucleotide variant.
Coding change: c.170T>C on transcript NM_000369.5 (MANE Select); coding-DNA position 170, T replaced by C.
Protein change: p.Leu57Pro; replaces leucine 57 with proline.
Molecular consequence: missense variant.
Genome position (GRCh38, 1-based): chr14:80,955,850, T>C. VCF-style: chr14-80955850-T-C. GRCh37 (hg19) VCF-style: chr14-81422194-T-C.
Other names: c.170T>C, p.Leu57Pro (NM_001018036.3, NM_001142626.3); short protein forms L57P.
Identifiers: ClinVar variation 1303548 (VCV001303548.4), dbSNP rs200401152, ClinGen allele CA7293999.